The following is an entry in ClinVar:

ClinVar aggregate classification (germline): Uncertain significance (1 of 4 stars; one submission).

Conditions:
Charcot-Marie-Tooth disease type 2. Also called: Charcot-Marie-Tooth type 2. Identifiers: Orphanet 64746, MedGen C0270914, MONDO:0018993.

Submission:

Labcorp Genetics (formerly Invitae), Labcorp
Classification: Uncertain significance for Charcot-Marie-Tooth disease type 2. Last evaluated: 2024-03-08. Review status: criteria provided, single submitter. Criteria: Invitae Variant Classification Sherloc (09022015). Collection method: clinical testing. Allele origin: germline.
Comment: This sequence change creates a premature translational stop signal (p.Leu914Serfs*6) in the AARS gene. While this is not anticipated to result in nonsense mediated decay, it is expected to disrupt the last 55 amino acid(s) of the AARS protein. This variant is not present in population databases (gnomAD no frequency). This variant has not been reported in the literature in individuals affected with AARS-related conditions. Experimental studies and prediction algorithms are not available or were not evaluated, and the functional significance of this variant is currently unknown. In summary, the available evidence is currently insufficient to determine the role of this variant in disease. Therefore, it has been classified as a Variant of Uncertain Significance.

NM_001605.3(AARS1):c.2740_2761del (p.Leu914fs)

Gene: AARS1 (alanyl-tRNA synthetase 1; minus strand). Cytogenetic location: 16q22.1.
Variant type: Deletion.
Coding change: c.2740_2761del on transcript NM_001605.3 (MANE Select); coding-DNA positions 2740 to 2761, 22 bases deleted (TTAAAAGCCAGCGAGTGGGTGC).
Protein change: p.Leu914fs; shifts the reading frame from leucine 914.
Molecular consequence: frameshift variant.
Genome position (GRCh38, 1-based): chr16:70,252,867-70,252,888, GCACCCACTCGCTGGCTTTTAA deleted on the plus strand (TTAAAAGCCAGCGAGTGGGTGC on the coding strand, the reverse complement: AARS1 is on the minus strand); deleting any 22 consecutive bases within chr16:70,252,867-70,252,890 gives the same sequence; the c. name uses the placement nearest the transcript's 3' end. VCF-style (leftmost placement, unchanged base first): chr16-70252866-TGCACCCACTCGCTGGCTTTTAA-T. GRCh37 (hg19) VCF-style: chr16-70286769-TGCACCCACTCGCTGGCTTTTAA-T.
Other names: short protein forms L914fs.
Identifiers: ClinVar variation 3645110 (VCV003645110.2).
Genomic context (GRCh38, chr16:70,252,866, plus strand): 5'-GTGGCCTGTGCAGACACATCCTTGCCACCACCTTTACCGTCCATCAAGCCTGACACCTGC[TGCACCCACTCGCTGGCTTTTAA>T]GCCCCGATTGGCTGCATTCTAGAAGACAGGAAGGGAAGGGGGAGTCAGCACAGAAGATGG-3'